The following is an entry in ClinVar:

ClinVar aggregate classification (germline): Likely pathogenic (1 of 4 stars; one submission).

Conditions:
Biotinidase deficiency. Also called: BTD deficiency; Late-onset biotin-responsive multiple carboxylase deficiency; Biotin deficiency. Identifiers: Orphanet 79241, MedGen C0220754, MONDO:0009665, OMIM 253260.

Submission:

Natera, Inc.
Classification: Likely pathogenic for Biotinidase deficiency. Last evaluated: 2024-05-23. Review status: criteria provided, single submitter. Criteria: Natera Variant Classification Schema (03/2026). Collection method: clinical testing. Allele origin: germline.
Comment: The c.620_622del variant in BTD is an in-frame deletion predicted to remove valine at amino acid 207 while preserving the reading frame. This variant is rare in the general population with a frequency below the threshold expected for the associated phenotype(s). This variant has been observed in one or more individuals affected with the associated recessive disease, as either homozygous or compound heterozygous with a second variant (PMID: 29995633). This variant results in a change to the protein length while preserving reading frame, which may disrupt normal protein structure or function. Given the available evidence, this variant is classified as Likely Pathogenic.

Literature cited by the submitters: PubMed 29995633.

NM_000060.4:c.620_622del

Variant type: Deletion.
Other names: c.620_622del (NM_000060.4).
Identifiers: ClinVar variation 4816032 (VCV004816032.1).